The following continues an entry in ClinVar:

NM_000218.3(KCNQ1):c.820A>G (p.Ile274Val)

Gene: KCNQ1. ClinVar aggregate classification (germline): Conflicting classifications of pathogenicity. Uncertain significance (8); Benign (1); Likely benign (4).

Submissions 11 to 15 of 15:

Illumina Laboratory Services, Illumina
Classification: Benign for Short QT syndrome type 2. Last evaluated: 2017-12-12. Review status: criteria provided, single submitter. Criteria: ICSL Variant Classification Criteria 13 December 2019. Collection method: clinical testing. Allele origin: germline.
Comment: This variant was observed as part of a predisposition screen in an ostensibly healthy population. A literature search was performed for the gene, cDNA change, and amino acid change (where applicable). Publications were found based on this search. The evidence from the literature, in combination with allele frequency data from public databases where available, was sufficient to rule this variant out of causing disease. Therefore, this variant is classified as benign.

Illumina Laboratory Services, Illumina
Classification: Uncertain significance for Atrial fibrillation, familial, 3. Last evaluated: 2017-12-12. Review status: criteria provided, single submitter. Criteria: ICSL Variant Classification Criteria 13 December 2019. Collection method: clinical testing. Allele origin: germline.
Comment: This variant was observed as part of a predisposition screen in an ostensibly healthy population. A literature search was performed for the gene, cDNA change, and amino acid change (where applicable). Publications were found based on this search. However, the evidence from the literature, in combination with allele frequency data from public databases where available, was not sufficient to rule this variant in or out of causing disease. Therefore, this variant is classified as a variant of unknown significance.

Illumina Laboratory Services, Illumina
Classification: Uncertain significance for Jervell and Lange-Nielsen syndrome 1. Last evaluated: 2017-12-12. Review status: criteria provided, single submitter. Criteria: ICSL Variant Classification Criteria 13 December 2019. Collection method: clinical testing. Allele origin: germline.
Comment: This variant was observed as part of a predisposition screen in an ostensibly healthy population. A literature search was performed for the gene, cDNA change, and amino acid change (where applicable). Publications were found based on this search. However, the evidence from the literature, in combination with allele frequency data from public databases where available, was not sufficient to rule this variant in or out of causing disease. Therefore, this variant is classified as a variant of unknown significance.

CSER _CC_NCGL, University of Washington
Classification: Likely pathogenic for Sudden infant death syndrome. Last evaluated: 2014-06-01. Review status: no assertion criteria provided. Collection method: research. Allele origin: germline. Inheritance: Autosomal dominant inheritance. Study: ESP 6500 variant annotation. Not counted in ClinVar's aggregate classification.
Comment: Variants classified for the Actionable exomic incidental findings in 6503 participants: challenges of variant classification manuscript

Cardiovascular Biomedical Research Unit, Royal Brompton & Harefield NHS Foundation Trust
No classification provided. Condition: Familial long QT syndrome. Review status: no classification provided. Collection method: literature only. Allele origin: germline. Not counted in ClinVar's aggregate classification.
Comment: This variant has been reported as associated with Long QT syndrome in the following publications (PMID:17210839;PMID:19716085;PMID:17999538;PMID:17470695). This is a literature report, and does not necessarily reflect the clinical interpretation of the Imperial College / Royal Brompton Cardiovascular Genetics laboratory.

Literature cited by the submitters: PubMed 17210839 (cited by 6 submitters); PubMed 18222468 (cited by 5 submitters); PubMed 30615648 (cited by Women's Health and Genetics/Laboratory Corporation of America, LabCorp and Ambry Genetics); PubMed 32048431 (cited by Women's Health and Genetics/Laboratory Corporation of America, LabCorp); PubMed 30935642 (cited by Women's Health and Genetics/Laboratory Corporation of America, LabCorp); PubMed 33600800 (cited by Women's Health and Genetics/Laboratory Corporation of America, LabCorp); PubMed 17470695 (cited by 5 submitters); PubMed 24920132 (cited by 3 submitters); PubMed 19716085 (cited by 4 submitters); PubMed 17999538 (cited by 3 submitters); PubMed 21185501 (cited by Laboratory for Molecular Medicine, Mass General Brigham Personalized Medicine and Ambry Genetics); PubMed 18611041 (cited by Laboratory for Molecular Medicine, Mass General Brigham Personalized Medicine); PubMed 23465283 (cited by 3 submitters); PubMed 21215473 (cited by Laboratory for Molecular Medicine, Mass General Brigham Personalized Medicine); PubMed 19815527 (cited by Laboratory for Molecular Medicine, Mass General Brigham Personalized Medicine); PubMed 23304551 (cited by Laboratory for Molecular Medicine, Mass General Brigham Personalized Medicine); PubMed 21778721 (cited by Laboratory for Molecular Medicine, Mass General Brigham Personalized Medicine); PubMed 25637381 (cited by Ambry Genetics and Illumina Laboratory Services, Illumina); PubMed 31043699 (cited by Ambry Genetics); PubMed 15913580 (cited by Illumina Laboratory Services, Illumina); PubMed 19490272 (cited by Illumina Laboratory Services, Illumina); PubMed 22581653 (cited by Cardiovascular Biomedical Research Unit, Royal Brompton & Harefield NHS Foundation Trust).